The following is an entry in ClinVar:

NM_000038.6(APC):c.7213A>C (p.Asn2405His)

Gene: APC (APC regulator of Wnt signaling pathway; plus strand). Cytogenetic location: 5q22.2.
Variant type: single nucleotide variant.
Coding change: c.7213A>C on transcript NM_000038.6 (MANE Select); coding-DNA position 7213, A replaced by C.
Protein change: p.Asn2405His; replaces asparagine 2405 with histidine.
Molecular consequence: missense variant.
Genome position (GRCh38, 1-based): chr5:112,842,807, A>C. VCF-style: chr5-112842807-A-C. GRCh37 (hg19) VCF-style: chr5-112178504-A-C.
Other names: c.7213A>C, p.Asn2405His (NM_001127510.3, NM_001354895.2); c.7159A>C, p.Asn2387His (NM_001127511.3); c.7267A>C, p.Asn2423His (NM_001354896.2); c.7243A>C, p.Asn2415His (NM_001354897.2); c.7138A>C, p.Asn2380His (NM_001354898.2); c.7129A>C, p.Asn2377His (NM_001354899.2); c.7090A>C, p.Asn2364His (NM_001354900.2); c.7036A>C, p.Asn2346His (NM_001354901.2); and 5 more; short protein forms N2387H, N2405H, N2122H, N2346H, N2377H, N2279H, N2304H, N2415H.
Identifiers: ClinVar variation 482426 (VCV000482426.8), dbSNP rs1554088132, ClinGen allele CA16037039.

ClinVar aggregate classification (germline): Uncertain significance. Review status: criteria provided, multiple submitters, no conflicts (2 of 4 stars). 2 submissions from 2 submitters: Uncertain significance (2). Last evaluated 2025-07-02.

Conditions:
Hereditary cancer-predisposing syndrome. Also called: Neoplastic Syndromes, Hereditary; Tumor predisposition; Hereditary Cancer Syndrome; Hereditary neoplastic syndrome. Identifiers: Orphanet 140162, MedGen C0027672, MeSH D009386, MONDO:0015356.
Familial adenomatous polyposis 1 (FAP1). Also called: FAMILIAL ADENOMATOUS POLYPOSIS 1, ATTENUATED; POLYPOSIS, ADENOMATOUS INTESTINAL. Identifiers: MedGen C2713442, MONDO:0021056, OMIM 175100. Disease mechanism: loss of function.

Submissions (2):

Labcorp Genetics (formerly Invitae), Labcorp
Classification: Uncertain significance for Familial adenomatous polyposis 1. Last evaluated: 2025-07-02. Review status: criteria provided, single submitter. Criteria: Invitae Variant Classification Sherloc (09022015). Collection method: clinical testing. Allele origin: germline.
Comment: This sequence change replaces asparagine, which is neutral and polar, with histidine, which is basic and polar, at codon 2405 of the APC protein (p.Asn2405His). This variant is not present in population databases (gnomAD no frequency). This variant has not been reported in the literature in individuals affected with APC-related conditions. ClinVar contains an entry for this variant (Variation ID: 482426). Invitae Evidence Modeling of protein sequence and biophysical properties (such as structural, functional, and spatial information, amino acid conservation, physicochemical variation, residue mobility, and thermodynamic stability) indicates that this missense variant is not expected to disrupt APC protein function with a negative predictive value of 95%. In summary, the available evidence is currently insufficient to determine the role of this variant in disease. Therefore, it has been classified as a Variant of Uncertain Significance.

Ambry Genetics
Classification: Uncertain significance for Hereditary cancer-predisposing syndrome. Last evaluated: 2016-11-16. Review status: criteria provided, single submitter. Criteria: Ambry Variant Classification Scheme 2023. Collection method: clinical testing. Allele origin: germline.
Comment: The p.N2405H variant (also known as c.7213A>C), located in coding exon 15 of the APC gene, results from an A to C substitution at nucleotide position 7213. The asparagine at codon 2405 is replaced by histidine, an amino acid with similar properties. This variant was not reported in population based cohorts in the following databases: Database of Single Nucleotide Polymorphisms (dbSNP), NHLBI Exome Sequencing Project (ESP), and 1000 Genomes Project. In the ESP, this variant was not observed in 6502 samples (13004 alleles) with coverage at this position. To date, this alteration has been detected with an allele frequency of approximately 0.001% (greater than 90000 alleles tested) in our clinical cohort. This amino acid position is poorly conserved in available vertebrate species. In addition, in silico predictors for this gene do not accurately predict pathogenicity. Since supporting evidence is limited at this time, the clinical significance of this alteration remains unclear.